The following is an entry in ClinVar:

NM_002381.5(MATN3):c.497T>C (p.Ile166Thr)

Gene: MATN3 (matrilin 3; minus strand). Cytogenetic location: 2p24.1.
Variant type: single nucleotide variant.
Coding change: c.497T>C on transcript NM_002381.5 (MANE Select); coding-DNA position 497, T replaced by C.
Protein change: p.Ile166Thr; replaces isoleucine 166 with threonine.
Molecular consequence: missense variant.
Genome position (GRCh38, 1-based): chr2:20,006,037, A>G on the plus strand (T>C on the coding strand, the complement: MATN3 is on the minus strand). VCF-style: chr2-20006037-A-G. GRCh37 (hg19) VCF-style: chr2-20205798-A-G.
Other names: short protein forms I166T.
Identifiers: ClinVar variation 1387604 (VCV001387604.6), dbSNP rs2103484035, ClinGen allele CA345950973.

ClinVar aggregate classification (germline): Uncertain significance (1 of 4 stars; one submission).

Allele frequency attached by ClinVar (database versions not stated): gnomAD exomes below 0.00001.

Submission:

Labcorp Genetics (formerly Invitae), Labcorp
Classification: Uncertain significance. Last evaluated: 2024-04-29. Review status: criteria provided, single submitter. Criteria: Invitae Variant Classification Sherloc (09022015). Collection method: clinical testing. Allele origin: germline.
Comment: This sequence change replaces isoleucine, which is neutral and non-polar, with threonine, which is neutral and polar, at codon 166 of the MATN3 protein (p.Ile166Thr). This variant is not present in population databases (gnomAD no frequency). This variant has not been reported in the literature in individuals affected with MATN3-related conditions. ClinVar contains an entry for this variant (Variation ID: 1387604). Advanced modeling of protein sequence and biophysical properties (such as structural, functional, and spatial information, amino acid conservation, physicochemical variation, residue mobility, and thermodynamic stability) performed at Invitae indicates that this missense variant is expected to disrupt MATN3 protein function with a positive predictive value of 80%. In summary, the available evidence is currently insufficient to determine the role of this variant in disease. Therefore, it has been classified as a Variant of Uncertain Significance.